The following is an entry in ClinVar:

NM_004168.4(SDHA):c.665T>C (p.Leu222Ser)

Gene: SDHA (succinate dehydrogenase complex flavoprotein subunit A; plus strand). Cytogenetic location: 5p15.33.
Variant type: single nucleotide variant.
Coding change: c.665T>C on transcript NM_004168.4 (MANE Select); coding-DNA position 665, T replaced by C.
Protein change: p.Leu222Ser; replaces leucine 222 with serine.
Molecular consequence: missense variant.
Genome position (GRCh38, 1-based): chr5:228,228, T>C. VCF-style: chr5-228228-T-C. GRCh37 (hg19) VCF-style: chr5-228343-T-C.
Other names: c.521T>C, p.Leu174Ser (NM_001294332.2); c.665T>C, p.Leu222Ser (NM_001330758.2); short protein forms L174S, L222S.
Identifiers: ClinVar variation 2094376 (VCV002094376.4), dbSNP rs991140963, ClinGen allele CA112817359.

ClinVar aggregate classification (germline): Uncertain significance (1 of 4 stars; one submission).

Conditions:
Pheochromocytoma/paraganglioma syndrome 5. Also called: Paragangliomas 5; SDHA-Related Hereditary Paraganglioma-Pheochromocytoma Syndrome. Identifiers: Orphanet 29072, MedGen C3279992, MONDO:0013602, OMIM 614165.
Mitochondrial complex II deficiency, nuclear type 1. Also called: SUCCINATE CoQ REDUCTASE DEFICIENCY. Identifiers: Orphanet 3208, MedGen C5700310, MONDO:0100294, OMIM 252011.

Allele frequency attached by ClinVar (database versions not stated): TOPMed 0.00001.

Submission:

Labcorp Genetics (formerly Invitae), Labcorp
Classification: Uncertain significance for Pheochromocytoma/paraganglioma syndrome 5; Mitochondrial complex II deficiency, nuclear type 1. Last evaluated: 2022-06-10. Review status: criteria provided, single submitter. Criteria: Invitae Variant Classification Sherloc (09022015). Collection method: clinical testing. Allele origin: germline.
Comment: In summary, the available evidence is currently insufficient to determine the role of this variant in disease. Therefore, it has been classified as a Variant of Uncertain Significance. Algorithms developed to predict the effect of missense changes on protein structure and function (SIFT, PolyPhen-2, Align-GVGD) all suggest that this variant is likely to be disruptive. This variant has not been reported in the literature in individuals affected with SDHA-related conditions. This variant is not present in population databases (gnomAD no frequency). This sequence change replaces leucine, which is neutral and non-polar, with serine, which is neutral and polar, at codon 222 of the SDHA protein (p.Leu222Ser).